The following is an entry in ClinVar:

NM_000186.4(CFH):c.2072G>C (p.Cys691Ser)

Gene: CFH (complement factor H; plus strand). Cytogenetic location: 1q31.3.
Variant type: single nucleotide variant.
Coding change: c.2072G>C on transcript NM_000186.4 (MANE Select); coding-DNA position 2072, G replaced by C.
Protein change: p.Cys691Ser; replaces cysteine 691 with serine.
Molecular consequence: missense variant.
Genome position (GRCh38, 1-based): chr1:196,726,776, G>C. VCF-style: chr1-196726776-G-C. GRCh37 (hg19) VCF-style: chr1-196695906-G-C.
Other names: short protein forms C691S.
Identifiers: ClinVar variation 1303615 (VCV001303615.4), dbSNP rs2149108610, ClinGen allele CA343988498.

ClinVar aggregate classification (germline): Uncertain significance. Review status: criteria provided, multiple submitters, no conflicts (2 of 4 stars). 6 submissions from 3 submitters: Uncertain significance (6). Last evaluated 2023-04-11.

Conditions:
Age related macular degeneration 4. Identifiers: MedGen C1853147, MONDO:0012540, OMIM 610698.
Basal laminar drusen. Also called: DRUSEN OF BRUCH MEMBRANE; DRUSEN, CUTICULAR; DRUSEN, EARLY ADULT-ONSET, GROUPED. Identifiers: Orphanet 75376, MedGen C0730295, MONDO:0007472, OMIM 126700.
Hemolytic uremic syndrome, atypical, susceptibility to, 1. Also called: AHUS, SUSCEPTIBILITY TO, 1. Identifiers: Orphanet 2134, Orphanet 90038, MedGen C2749604, MONDO:0009335, OMIM 235400. Disease mechanism: Other.
Factor H deficiency (CFHD). Also called: CFH DEFICIENCY; COMPLEMENT FACTOR H DEFICIENCY. Identifiers: Orphanet 200421, MedGen C0398777, MONDO:0012350, OMIM 609814.

Submissions (6):

Genome-Nilou Lab
Classification: Uncertain significance for Hemolytic uremic syndrome, atypical, susceptibility to, 1. Last evaluated: 2023-04-11. Review status: criteria provided, single submitter. Criteria: ACMG Guidelines, 2015. Collection method: clinical testing. Allele origin: germline. Affected: no.

Genome-Nilou Lab
Classification: Uncertain significance for Age related macular degeneration 4. Last evaluated: 2023-04-11. Review status: criteria provided, single submitter. Criteria: ACMG Guidelines, 2015. Collection method: clinical testing. Allele origin: germline. Affected: no.

Genome-Nilou Lab
Classification: Uncertain significance for Basal laminar drusen. Last evaluated: 2023-04-11. Review status: criteria provided, single submitter. Criteria: ACMG Guidelines, 2015. Collection method: clinical testing. Allele origin: germline. Affected: no.

Genome-Nilou Lab
Classification: Uncertain significance for Factor H deficiency. Last evaluated: 2023-04-11. Review status: criteria provided, single submitter. Criteria: ACMG Guidelines, 2015. Collection method: clinical testing. Allele origin: germline. Affected: no.

Fulgent Genetics
Classification: Uncertain significance for Basal laminar drusen; Hemolytic uremic syndrome, atypical, susceptibility to, 1; Factor H deficiency; Age related macular degeneration 4. Last evaluated: 2021-10-29. Review status: criteria provided, single submitter. Criteria: ACMG Guidelines, 2015. Collection method: clinical testing. Allele origin: unknown.

GeneDx
Classification: Uncertain significance. Last evaluated: 2019-04-25. Review status: criteria provided, single submitter. Criteria: GeneDx Variant Classification Process June 2021. Collection method: clinical testing. Allele origin: germline. Affected: yes.
Comment: Not observed in large population cohorts (Lek et al., 2016); In silico analysis, which includes protein predictors and evolutionary conservation, supports a deleterious effect; Has not been previously published as pathogenic or benign to our knowledge